The following is an entry in ClinVar:

ClinVar aggregate classification (germline): Uncertain significance (1 of 4 stars; one submission).

Conditions:
Developmental and epileptic encephalopathy 6B. Also called: Developmental and epileptic encephalopathy 6B, non-Dravet. Identifiers: MedGen C5543353, MONDO:0030268, OMIM 619317.

gnomAD v4.1: 9 of 1,613,826 alleles (0.00056%); highest among the groups gnomAD compares: Non-Finnish European, 0.00076%; no homozygotes.

Submission:

Victorian Clinical Genetics Services, Murdoch Childrens Research Institute
Classification: Uncertain significance for Developmental and epileptic encephalopathy 6B. Last evaluated: 2025-09-23. Review status: criteria provided, single submitter. Criteria: ACMG Guidelines, 2015. Collection method: clinical testing. Allele origin: germline. Affected: yes.
Comment: This variant is classified as VUS-3C. Evidence in support of pathogenic classification: Variant is present in gnomAD <0.001 for a dominant condition (v4: 9 heterozygote(s), 0 homozygote(s)); Missense variant predicted to be damaging by in silico tool(s) or highly conserved with a major amino acid change. Additional information: Variant is predicted to result in a missense amino acid change from Asn to Lys; This variant is heterozygous; This gene is associated with autosomal dominant disease; Previous evidence of pathogenicity for this variant is inconclusive. It has been reported in one individual with Dravet syndrome; however, a second potentially causative SCN1A missense variant was also identified (PMID:18930999). In addition, it has been classified as a variant of uncertain significance and benign by clinical laboratories. Some laboratories observed the variant in individuals affected with seizures, who inherited the variant from unaffected parents (LOVD; personal communication); No published evidence of segregation with disease has been identified for this variant; Functional evidence for this variant is inconclusive. A patch clamp study suggests that this variant has an effect on channel activity (PMID: 27267376). However, patch clamp assays have been shown to be unreliable, therefore results from these studies are used with caution during variant classification - No comparable missense variants have previous evidence for pathogenicity; Variant is located in the annotated ion transport protein (DECIPHER); Loss of function and gain of function are known mechanisms of disease in this gene and are associated with SCN1A-related epilepsy (PMID: 28488083); The condition associated with this gene has incomplete penetrance. Penetrance has been noted to vary by phenotype (PMID: 20301494); Variants in this gene are known to have variable expressivity. Both intrafamilial and interfamilial variability have been observed (PMID: 20301494).

Literature cited by the submitters: PubMed 28488083; PubMed 18930999; PubMed 20301494; PubMed 27267376.

NM_001165963.4(SCN1A):c.5364C>A (p.Asn1788Lys)

Genes: SCN1A (sodium voltage-gated channel alpha subunit 1; minus strand), LOC102724058 (uncharacterized LOC102724058; plus strand). Cytogenetic location: 2q24.3.
Variant type: single nucleotide variant.
Coding change: c.5364C>A on transcript NM_001165963.4 (MANE Select); coding-DNA position 5364, C replaced by A.
Protein change: p.Asn1788Lys; replaces asparagine 1788 with lysine.
Molecular consequence: missense variant. On other transcripts: non-coding transcript variant (1).
Genome position (GRCh38, 1-based): chr2:165,991,911, G>T on the plus strand (C>A on the coding strand, the complement: SCN1A is on the minus strand). VCF-style: chr2-165991911-G-T. GRCh37 (hg19) VCF-style: chr2-166848421-G-T.
Other names: c.5331C>A, p.Asn1777Lys (NM_006920.6, NM_001353949.2, NM_001353950.2 and 2 more transcripts); c.5277C>A, p.Asn1759Lys (NM_001353960.2); c.2922C>A, p.Asn974Lys (NM_001353961.2); c.5280C>A, p.Asn1760Lys (NM_001165964.3, NM_001353957.2, NM_001353958.2); c.5364C>A, p.Asn1788Lys (NM_001202435.3, NM_001353948.2); c.5328C>A, p.Asn1776Lys (NM_001353954.2, NM_001353955.2); short protein forms N1759K, N1760K, N1776K, N1777K, N1788K, N974K.
Identifiers: ClinVar variation 4531779 (VCV004531779.1).